The following is an entry in ClinVar:

NM_000821.7(GGCX):c.2015G>A (p.Arg672Gln)

Gene: GGCX (gamma-glutamyl carboxylase; minus strand). Cytogenetic location: 2p11.2.
Variant type: single nucleotide variant.
Coding change: c.2015G>A on transcript NM_000821.7 (MANE Select); coding-DNA position 2015, G replaced by A.
Protein change: p.Arg672Gln; replaces arginine 672 with glutamine.
Molecular consequence: missense variant.
Genome position (GRCh38, 1-based): chr2:85,550,624, C>T on the plus strand (G>A on the coding strand, the complement: GGCX is on the minus strand). VCF-style: chr2-85550624-C-T. GRCh37 (hg19) VCF-style: chr2-85777747-C-T.
Other names: c.1844G>A, p.Arg615Gln (NM_001142269.4); c.2015G>A (NM_000821.6); short protein forms R672Q, R615Q.
Identifiers: ClinVar variation 2075521 (VCV002075521.4), dbSNP rs145522448, ClinGen allele CA1741667.
Genomic context (GRCh38, chr2:85,550,624, plus strand): 5'-AAGACATAGAGCTTTCGCAACAAGAAGCGGAAGAATCGCTCATGGAAAGGAGTATTTCGC[C>T]GGCGTTCAATCTCCTGGAGCCTTTGTTGGCGTCTAAGAAAGGTCTGAACCAGAGGTGTTG-3'
Protein context (NP_000812.2, residues 662-682): RQQRLQEIER[Arg672Gln]RNTPFHERFF

ClinVar aggregate classification (germline): Uncertain significance. Review status: criteria provided, multiple submitters, no conflicts (2 of 4 stars). 3 submissions from 3 submitters: Uncertain significance (3). Last evaluated 2025-05-28.

Conditions:
GGCX-related disorder. Also called: GGCX-related condition; GGCX - Related Disorders.
Inborn genetic diseases. Identifiers: MedGen C0950123, MeSH D030342.

Allele frequency attached by ClinVar (database versions not stated): gnomAD exomes 0.00002; ExAC 0.00007; ESP Exome Variant Server 0.00008; gnomAD 0.00012; TOPMed 0.00012; 1000 Genomes Project 30x 0.00016; 1000 Genomes Project 0.00020.

Submissions (3):

PreventionGenetics, part of Exact Sciences
Classification: Uncertain significance for GGCX-related condition. Last evaluated: 2025-05-28. Review status: criteria provided, single submitter. Criteria: ACMG Guidelines, 2015. Collection method: clinical testing. Allele origin: germline.
Comment: The GGCX c.2015G>A variant is predicted to result in the amino acid substitution p.Arg672Gln. To our knowledge, this variant has not been reported in the literature. This variant is reported in 0.040% of alleles in individuals of African descent in gnomAD. At this time, the clinical significance of this variant is uncertain due to the absence of conclusive functional and genetic evidence.

Ambry Genetics
Classification: Uncertain significance for Inborn genetic diseases. Last evaluated: 2024-08-26. Review status: criteria provided, single submitter. Criteria: Ambry Variant Classification Scheme 2023. Collection method: clinical testing. Allele origin: germline.

Labcorp Genetics (formerly Invitae), Labcorp
Classification: Uncertain significance. Last evaluated: 2022-06-14. Review status: criteria provided, single submitter. Criteria: Invitae Variant Classification Sherloc (09022015). Collection method: clinical testing. Allele origin: germline.
Comment: This sequence change replaces arginine, which is basic and polar, with glutamine, which is neutral and polar, at codon 672 of the GGCX protein (p.Arg672Gln). This variant is present in population databases (rs145522448, gnomAD 0.04%). This variant has not been reported in the literature in individuals affected with GGCX-related conditions. Algorithms developed to predict the effect of missense changes on protein structure and function are either unavailable or do not agree on the potential impact of this missense change (SIFT: "Deleterious"; PolyPhen-2: "Benign"; Align-GVGD: "Class C0"). In summary, the available evidence is currently insufficient to determine the role of this variant in disease. Therefore, it has been classified as a Variant of Uncertain Significance.